The following is an entry in ClinVar:

ClinVar aggregate classification (germline): Uncertain significance (1 of 4 stars; one submission).

Submission:

Labcorp Genetics (formerly Invitae), Labcorp
Classification: Uncertain significance. Last evaluated: 2022-02-10. Review status: criteria provided, single submitter. Criteria: Invitae Variant Classification Sherloc (09022015). Collection method: clinical testing. Allele origin: germline.
Comment: In summary, the available evidence is currently insufficient to determine the role of this variant in disease. Therefore, it has been classified as a Variant of Uncertain Significance. Algorithms developed to predict the effect of sequence changes on RNA splicing suggest that this variant may disrupt the consensus splice site. This variant has not been reported in the literature in individuals affected with TBX20-related conditions. This variant is not present in population databases (gnomAD no frequency). This sequence change falls in intron 3 of the TBX20 gene. It does not directly change the encoded amino acid sequence of the TBX20 protein.

NM_001077653.2(TBX20):c.546-9T>G

Gene: TBX20 (T-box transcription factor 20; minus strand). Cytogenetic location: 7p14.2.
Variant type: single nucleotide variant.
Coding change: c.546-9T>G on transcript NM_001077653.2 (MANE Select); 9 bases into the intron before coding-DNA position 546, T replaced by G.
Molecular consequence: intron variant.
Genome position (GRCh38, 1-based): chr7:35,245,066, A>C on the plus strand (T>G on the coding strand, the complement: TBX20 is on the minus strand). VCF-style: chr7-35245066-A-C. GRCh37 (hg19) VCF-style: chr7-35284678-A-C.
Other names: c.546-9T>G (NM_001166220.1).
Identifiers: ClinVar variation 2096052 (VCV002096052.4), dbSNP rs2546994773, ClinGen allele CA2580077080.